The following is an entry in ClinVar:

NM_172107.4(KCNQ2):c.2314_2315inv (p.Pro772Gly)

Gene: KCNQ2 (potassium voltage-gated channel subfamily Q member 2; minus strand). Cytogenetic location: 20q13.33.
Variant type: Inversion.
Coding change: c.2314_2315inv on transcript NM_172107.4 (MANE Select).
Protein change: p.Pro772Gly; replaces proline 772 with glycine.
Molecular consequence: missense variant.
Genome position: GRCh38 VCF-style: chr20-63406948-GG-CC. GRCh37 (hg19) VCF-style: chr20-62038301-GG-CC.
Other names: c.2368_2369inv, p.Pro790Gly (NM_001382235.1); c.2230_2231inv, p.Pro744Gly (NM_004518.6); c.2260_2261inv, p.Pro754Gly (NM_172106.3); c.2221_2222inv, p.Pro741Gly (NM_172108.5); c.2314_2315delinsGG (NM_172107.2); short protein forms P741G, P744G, P754G, P772G, P790G.
Identifiers: ClinVar variation 1484021 (VCV001484021.10), ClinGen allele CA2573157295.
Genomic context (GRCh38, chr20:63,406,948, plus strand): 5'-GACGGGATGGAGATGGACGTGTCGCTGTCCCGCAGGTTCCCCTCGGGGGGCCTGCAGCCC[GG>CC]GGTGTCCTCCTGCCGCAGGAACTCCATGCTGGCGCGGTTGCCCCCGCCGTAGGCGGACAG-3'
Protein context (NP_742105.1, residues 762-782): SMEFLRQEDT[Pro772Gly]GCRPPEGNLR

ClinVar aggregate classification (germline): Uncertain significance. Review status: criteria provided, multiple submitters, no conflicts (2 of 4 stars). 2 submissions from 2 submitters: Uncertain significance (2). Last evaluated 2024-10-24.

Conditions:
Early-infantile DEE. Also called: Ohtahara syndrome; Early infantile epileptic encephalopathy; Early infantile epileptic encephalopathy with suppression bursts. Identifiers: Orphanet 1934, MedGen C0393706, MONDO:0800491.

Submissions (2):

Labcorp Genetics (formerly Invitae), Labcorp
Classification: Uncertain significance for Early-infantile DEE. Last evaluated: 2024-10-24. Review status: criteria provided, single submitter. Criteria: Invitae Variant Classification Sherloc (09022015). Collection method: clinical testing. Allele origin: germline.
Comment: This sequence change replaces proline, which is neutral and non-polar, with glycine, which is neutral and non-polar, at codon 772 of the KCNQ2 protein (p.Pro772Gly). Information on the frequency of this variant in the gnomAD database is not available, as this variant may be reported differently in the database. This variant has not been reported in the literature in individuals affected with KCNQ2-related conditions. ClinVar contains an entry for this variant (Variation ID: 1484021). An algorithm developed to predict the effect of missense changes on protein structure and function (PolyPhen-2) suggests that this variant is likely to be tolerated. In summary, the available evidence is currently insufficient to determine the role of this variant in disease. Therefore, it has been classified as a Variant of Uncertain Significance.

GeneDx
Classification: Uncertain significance. Last evaluated: 2023-11-13. Review status: criteria provided, single submitter. Criteria: GeneDx Variant Classification Process June 2021. Collection method: clinical testing. Allele origin: germline. Affected: yes.
Comment: Not observed at significant frequency in large population cohorts (gnomAD); In silico analysis supports that this variant does not alter protein structure/function; Has not been previously published as pathogenic or benign to our knowledge